The following is an entry in ClinVar:

ClinVar aggregate classification (germline): Conflicting classifications of pathogenicity. Review status: criteria provided, conflicting classifications (1 of 4 stars). 3 submissions from 3 submitters: Uncertain significance (1); Likely benign (1). 1 of the submissions does not count toward it. Last evaluated 2022-02-03.

Conditions:
LRIG2-related disorder. Also called: LRIG2-related condition.

Allele frequency attached by ClinVar (database versions not stated): gnomAD exomes 0.00010 and 0.00048; gnomAD 0.00018 and 0.00019; TOPMed 0.00027; ExAC 0.00040; 1000 Genomes Project 0.00060; 1000 Genomes Project 30x 0.00062.
gnomAD v4.1: 203 of 1,614,040 alleles (0.013%); highest among the groups gnomAD compares: East Asian, 0.34%; no homozygotes.

Submissions (3):

Ambry Genetics
Classification: Uncertain significance. Last evaluated: 2022-02-03. Review status: criteria provided, single submitter. Criteria: Ambry Variant Classification Scheme 2023. Collection method: clinical testing. Allele origin: germline.

Labcorp Genetics (formerly Invitae), Labcorp
Classification: Likely benign. Last evaluated: 2018-12-11. Review status: criteria provided, single submitter. Criteria: Invitae Variant Classification Sherloc (09022015). Collection method: clinical testing. Allele origin: germline.

PreventionGenetics, part of Exact Sciences
Classification: Likely benign for LRIG2-related condition. Last evaluated: 2020-11-24. Review status: no assertion criteria provided. Collection method: clinical testing. Allele origin: germline. Not counted in ClinVar's aggregate classification.
Comment: This variant is classified as likely benign based on ACMG/AMP sequence variant interpretation guidelines (Richards et al. 2015 PMID: 25741868, with internal and published modifications).

NM_014813.3(LRIG2):c.20G>C (p.Gly7Ala)

Gene: LRIG2 (leucine rich repeats and immunoglobulin like domains 2; plus strand). Cytogenetic location: 1p13.2.
Variant type: single nucleotide variant.
Coding change: c.20G>C on transcript NM_014813.3 (MANE Select); coding-DNA position 20, G replaced by C.
Protein change: p.Gly7Ala; replaces glycine 7 with alanine.
Molecular consequence: missense variant. On other transcripts: 5 prime UTR variant (1).
Genome position (GRCh38, 1-based): chr1:113,073,426, G>C. VCF-style: chr1-113073426-G-C. GRCh37 (hg19) VCF-style: chr1-113616048-G-C.
Other names: c.-402G>C (NM_001312686.2); c.20G>C (NM_014813.1); short protein forms G7A.
Identifiers: ClinVar variation 725001 (VCV000725001.8), dbSNP rs201038287, ClinGen allele CA1011567.
Genomic context (GRCh38, chr1:113,073,426, plus strand): 5'-GCAGGCAGCTCTTCTAGGCCACGTCCAGGTCGAGGGGGAAAATGGCGCCGGCGCCCCTAG[G>C]CGTCCCGGAGGAGCAGTTGCTGGGGTGTCGATCTAGAGTGCTTTCTCGGTTACTCTTCAT-3'
Protein context (NP_055628.1, residues 1-17): MAPAPL[Gly7Ala]VPEEQLLGCR